The following is an entry in ClinVar:

ClinVar aggregate classification (germline): Likely benign. Review status: criteria provided, multiple submitters, no conflicts (2 of 4 stars). 2 submissions from 2 submitters: Likely benign (2). Last evaluated 2025-12-03.

Allele frequency attached by ClinVar (database versions not stated): gnomAD 0.00002; TOPMed 0.00002; ExAC 0.00006; ESP Exome Variant Server 0.00008.
gnomAD v4.1: 52 of 1,613,446 alleles (0.0032%); highest among the groups gnomAD compares: Middle Eastern, 0.033%; no homozygotes.

Submissions (2):

Labcorp Genetics (formerly Invitae), Labcorp
Classification: Likely benign. Last evaluated: 2025-12-03. Review status: criteria provided, single submitter. Criteria: Invitae Variant Classification Sherloc (09022015). Collection method: clinical testing. Allele origin: germline.

CeGaT Center for Human Genetics Tuebingen
Classification: Likely benign. Last evaluated: 2024-10-01. Review status: criteria provided, single submitter. Criteria: CeGaT Center For Human Genetics Tuebingen Variant Classification Criteria Version 2. Collection method: clinical testing. Allele origin: germline. Affected: yes. Observed: 1 variant allele.
Comment: SKIC3: BP4, BP7

NM_014639.4(SKIC3):c.4539G>A (p.Gly1513=)

Gene: SKIC3 (SKI3 subunit of superkiller complex; minus strand). Cytogenetic location: 5q15.
Variant type: single nucleotide variant.
Coding change: c.4539G>A on transcript NM_014639.4 (MANE Select); coding-DNA position 4539, G replaced by A.
Protein change: p.Gly1513=; no amino-acid change (glycine 1513 retained).
Molecular consequence: synonymous variant.
Genome position (GRCh38, 1-based): chr5:95,467,947, C>T on the plus strand (G>A on the coding strand, the complement: SKIC3 is on the minus strand). VCF-style: chr5-95467947-C-T. GRCh37 (hg19) VCF-style: chr5-94803651-C-T.
Identifiers: ClinVar variation 1895924 (VCV001895924.19), dbSNP rs367583320, ClinGen allele CA3346357.
Genomic context (GRCh38, chr5:95,467,947, plus strand): 5'-TTTGGCATATAAGTGTCTCAGTAGGTACCAACGTGCAGTTGATGCAATAGATTTGGGATA[C>T]CCAGGCTGATATACCACTCTTTCCAAAAGACGCCGTGTCTCTCTGGAAAAAAAAAATTTA-3'
Protein context (NP_055454.1, residues 1503-1523): RLLERVVYQP[Gly1513=]YPKSIASTAR